The following is an entry in ClinVar:

NM_004168.4(SDHA):c.312+1G>A

Gene: SDHA (succinate dehydrogenase complex flavoprotein subunit A; plus strand). Cytogenetic location: 5p15.33.
Variant type: single nucleotide variant.
Coding change: c.312+1G>A on transcript NM_004168.4 (MANE Select); the canonical splice donor site of the intron after coding-DNA position 312, G replaced by A.
Molecular consequence: splice donor variant.
Genome position (GRCh38, 1-based): chr5:224,522, G>A. VCF-style: chr5-224522-G-A. GRCh37 (hg19) VCF-style: chr5-224637-G-A.
Other names: c.312+1G>A (NM_001330758.2, NM_001294332.2).
Identifiers: ClinVar variation 1477147 (VCV001477147.9), dbSNP rs2126543441, ClinGen allele CA359008700.
Genomic context (GRCh38, chr5:224,522, plus strand): 5'-TTTAATACAGCATGTGTTACCAAGCTGTTTCCTACCAGGTCACACACTGTTGCAGCACAG[G>A]TAAGAGAAAGGTGCCCCACTGTGCTCCCACTCCGTGCAGGTCCCGCGCAGCCTCGCACTT-3'

ClinVar aggregate classification (germline): Likely pathogenic. Review status: criteria provided, multiple submitters, no conflicts (2 of 4 stars). 2 submissions from 2 submitters: Likely pathogenic (2). Last evaluated 2026-03-09.

Conditions:
Pheochromocytoma/paraganglioma syndrome 5. Also called: Paragangliomas 5; SDHA-Related Hereditary Paraganglioma-Pheochromocytoma Syndrome. Identifiers: Orphanet 29072, MedGen C3279992, MONDO:0013602, OMIM 614165.
Mitochondrial complex II deficiency, nuclear type 1. Also called: SUCCINATE CoQ REDUCTASE DEFICIENCY. Identifiers: Orphanet 3208, MedGen C5700310, MONDO:0100294, OMIM 252011.

Submissions (2):

Myriad Genetics, Inc.
Classification: Likely pathogenic for Pheochromocytoma/paraganglioma syndrome 5. Last evaluated: 2026-03-09. Review status: criteria provided, single submitter. Criteria: Myriad Autosomal Dominant, Autosomal Recessive and X-Linked Classification Criteria (2023). Collection method: clinical testing. Allele origin: unknown.
Comment: This variant is considered likely pathogenic. This variant occurs within a consensus splice junction and is predicted to result in abnormal mRNA splicing of either an out-of-frame exon or an in-frame exon necessary for protein stability and/or normal function.

Labcorp Genetics (formerly Invitae), Labcorp
Classification: Likely pathogenic for Pheochromocytoma/paraganglioma syndrome 5; Mitochondrial complex II deficiency, nuclear type 1. Last evaluated: 2024-12-09. Review status: criteria provided, single submitter. Criteria: Invitae Variant Classification Sherloc (09022015). Collection method: clinical testing. Allele origin: germline.
Comment: This sequence change affects a donor splice site in intron 3 of the SDHA gene. It is expected to disrupt RNA splicing. Variants that disrupt the donor or acceptor splice site typically lead to a loss of protein function (PMID: 16199547), and loss-of-function variants in SDHA are known to be pathogenic (PMID: 22974104, 24781757). This variant is not present in population databases (gnomAD no frequency). This variant has not been reported in the literature in individuals affected with SDHA-related conditions. ClinVar contains an entry for this variant (Variation ID: 1477147). Algorithms developed to predict the effect of sequence changes on RNA splicing suggest that this variant may disrupt the consensus splice site. In summary, the currently available evidence indicates that the variant is pathogenic, but additional data are needed to prove that conclusively. Therefore, this variant has been classified as Likely Pathogenic.

Literature cited by the submitters: PubMed 16199547 (cited by Labcorp Genetics (formerly Invitae), Labcorp); PubMed 22974104 (cited by Labcorp Genetics (formerly Invitae), Labcorp); PubMed 24781757 (cited by Labcorp Genetics (formerly Invitae), Labcorp).